The following is an entry in ClinVar:

NM_001165963.4(SCN1A):c.5514_5525del (p.Leu1839_Pro1842del)

Genes: SCN1A (sodium voltage-gated channel alpha subunit 1; minus strand), LOC102724058 (uncharacterized LOC102724058; plus strand). Cytogenetic location: 2q24.3.
Variant type: Deletion.
Coding change: c.5514_5525del on transcript NM_001165963.4 (MANE Select); coding-DNA positions 5514 to 5525, 12 bases deleted (TCTCAATCTGCC).
Protein change: p.Leu1839_Pro1842del.
Molecular consequence: non-coding transcript variant (on NR_148667.2).
Genome position (GRCh38, 1-based): chr2:165,991,750-165,991,761, GGCAGATTGAGA deleted on the plus strand (TCTCAATCTGCC on the coding strand, the reverse complement: SCN1A is on the minus strand); deleting any 12 consecutive bases within chr2:165,991,750-165,991,764 gives the same sequence; the c. name uses the placement nearest the transcript's 3' end. VCF-style (leftmost placement, unchanged base first): chr2-165991749-TGGCAGATTGAGA-T. GRCh37 (hg19) VCF-style: chr2-166848259-TGGCAGATTGAGA-T.
Other names: c.5514_5525del, p.Leu1839_Pro1842del (NM_001202435.3, NM_001353948.2); c.5481_5492del, p.Leu1828_Pro1831del (NM_001353949.2, NM_001353950.2, NM_001353951.2 and 2 more transcripts); c.5478_5489del, p.Leu1827_Pro1830del (NM_001353954.2, NM_001353955.2); c.5430_5441del, p.Leu1811_Pro1814del (NM_001353957.2, NM_001353958.2, NM_001165964.3); c.5427_5438del, p.Leu1810_Pro1813del (NM_001353960.2); c.3072_3083del, p.Leu1025_Pro1028del (NM_001353961.2).
Identifiers: ClinVar variation 3647139 (VCV003647139.2).

ClinVar aggregate classification (germline): Pathogenic (1 of 4 stars; one submission).

Conditions:
Early-infantile DEE. Also called: Early infantile epileptic encephalopathy; Ohtahara syndrome; Early infantile epileptic encephalopathy with suppression bursts. Identifiers: Orphanet 1934, MedGen C0393706, MONDO:0800491.

Submission:

Labcorp Genetics (formerly Invitae), Labcorp
Classification: Pathogenic for Early-infantile DEE. Last evaluated: 2024-03-21. Review status: criteria provided, single submitter. Criteria: Invitae Variant Classification Sherloc (09022015). Collection method: clinical testing. Allele origin: germline.
Comment: This variant, c.5514_5525del, results in the deletion of 4 amino acid(s) of the SCN1A protein (p.Leu1839_Pro1842del), but otherwise preserves the integrity of the reading frame. This variant is not present in population databases (gnomAD no frequency). This variant has been observed in individual(s) with SCN1A-related conditions (Invitae). This variant disrupts a region of the SCN1A protein in which other variant(s) (p.Leu1839Val) have been determined to be pathogenic (PMID: 26096185, 35886038). This suggests that this is a clinically significant region of the protein, and that variants that disrupt it are likely to be disease-causing. For these reasons, this variant has been classified as Pathogenic.

Literature cited by the submitters: PubMed 26096185; PubMed 35886038.